The following is an entry in ClinVar:

ClinVar aggregate classification (germline): Pathogenic (1 of 4 stars; one submission).

Submission:

ARUP Laboratories, Molecular Genetics and Genomics, ARUP Laboratories
Classification: Pathogenic. Last evaluated: 2017-12-28. Review status: criteria provided, single submitter. Criteria: ARUP Molecular Germline Variant Investigation Process. Collection method: clinical testing. Allele origin: germline.
Comment: The COL1A1 c.878G>A; p.Gly293Asp variant has been identified as a de novo mutation in one patient diagnosed with osteogenesis imperfecta type III (Lin 2015), and is listed as a pathogenic variant in the HGMD database. This variant is absent from the general population databases (1000 Genomes Project, Exome Variant Server, Genome Aggregation Database), indicating it is not a common polymorphism. The variant is located in a triple helix repeat domain, and glycine substitutions are the most frequent pathogenic alterations in this region (Ben Amor 2011). The glycine at position 293 is highly conserved considering 11 species, and computational analyses of the effects of the p.Gly293Asp variant on protein structure and function predict a deleterious effect (SIFT: damaging, MutationTaster: disease causing, PolyPhen-2: probably damaging, Align GVGD: Class C65). Based on the above information, the p.Gly293Asp variant is classified as pathogenic.

NM_000088.4(COL1A1):c.878G>A (p.Gly293Asp)

Genes: COL1A1 (collagen type I alpha 1 chain; minus strand), LOC126862586 (CDK7 strongly-dependent group 2 enhancer GRCh37_chr17:48273702-48274901; plus strand). Cytogenetic location: 17q21.33.
Variant type: single nucleotide variant.
Coding change: c.878G>A on transcript NM_000088.4 (MANE Select); coding-DNA position 878, G replaced by A.
Protein change: p.Gly293Asp; replaces glycine 293 with aspartic acid.
Molecular consequence: missense variant.
Genome position (GRCh38, 1-based): chr17:50,196,509, C>T on the plus strand (G>A on the coding strand, the complement: COL1A1 is on the minus strand). VCF-style: chr17-50196509-C-T. GRCh37 (hg19) VCF-style: chr17-48273870-C-T.
Other names: short protein forms G293D.
Identifiers: ClinVar variation 618570 (VCV000618570.8), dbSNP rs1567761828, ClinGen allele CA400222159.